The following is an entry in ClinVar:

ClinVar aggregate classification (germline): Pathogenic (1 of 4 stars; one submission).

Conditions:
Cataract 4 multiple types. Also called: CATARACT 4, PUNCTATE; CATARACT 4, CRYSTALLINE; CATARACT 4, CENTRAL NUCLEAR; CATARACT 4, NONNUCLEAR POLYMORPHIC CONGENITAL; CATARACT 4, ACULEIFORM; CATARACT 4, MULTIPLE TYPES, WITH OR WITHOUT MICROCORNEA. Identifiers: Orphanet 1377, MedGen C3540850, MONDO:0007281, OMIM 115700.

Submission:

Ophthalmic Genetics, Al-Shifa Trust Eye Hospital Rawalpindi
Classification: Pathogenic for Cataract 4 multiple types. Last evaluated: 2026-07-10. Review status: criteria provided, single submitter. Criteria: Submitter's publication. Collection method: clinical testing. Allele origin: de novo. Inheritance: Autosomal recessive inheritance. Affected: yes. Observed: 1 variant allele, 1 heterozygote.
Comment: NM_012308.3(KDM2A):c.1295del (p.Gly432AlafsTer22) is a single-base deletion in KDM2A, the gene encoding lysine demethylase 2A (also known as FBXL11), a chromatin-associated histone demethylase. The deletion shifts the reading frame at codon 432 and introduces a premature termination codon, which is predicted to abolish protein function either through nonsense-mediated decay or through a truncated product. The homozygous genotype is consistent with an autosomal recessive mode of inheritance and warrants confirmation of biallelic status in both parents. Under ACMG/AMP criteria the variant was classified as pathogenic, based on its predicted null effect and its rarity. KDM2A has no Mendelian phenotype recorded in OMIM, so the relationship between this variant and the ocular findings remains provisional and rests on the predicted loss of function together with the recessive genotype rather than on prior gene-disease evidence.

NM_012308.3(KDM2A):c.1295del (p.Gly432fs)

Gene: KDM2A (lysine demethylase 2A; plus strand). Cytogenetic location: 11q13.2.
Variant type: Deletion.
Coding change: c.1295del on transcript NM_012308.3 (MANE Select); coding-DNA position 1295, one base deleted (G; older notation c.1295delG).
Protein change: p.Gly432fs; shifts the reading frame from glycine 432.
Molecular consequence: frameshift variant. On other transcripts: non-coding transcript variant (1).
Genome position (GRCh38, 1-based): chr11:67,231,776, G deleted; the last of 4 consecutive G bases (chr11:67,231,773-67,231,776); deleting any one gives the same sequence. VCF-style (leftmost placement, unchanged base first): chr11-67231772-CG-C. GRCh37 (hg19) VCF-style: chr11-66999243-CG-C.
Other names: short protein forms G432fs.
Identifiers: ClinVar variation 4891238 (VCV004891238.1).